The following is an entry in ClinVar:

ClinVar aggregate classification (germline): Likely pathogenic (1 of 4 stars; one submission).

Submission:

CeGaT Center for Human Genetics Tuebingen
Classification: Likely pathogenic. Last evaluated: 2025-02-01. Review status: criteria provided, single submitter. Criteria: CeGaT Center For Human Genetics Tuebingen Variant Classification Criteria Version 2. Collection method: clinical testing. Allele origin: germline. Affected: yes. Observed: 1 variant allele.
Comment: APC: PVS1:Strong, PM2

NM_000038.6(APC):c.5709_5717delinsT (p.Gln1904fs)

Gene: APC (APC regulator of Wnt signaling pathway; plus strand). Cytogenetic location: 5q22.2.
Variant type: Indel.
Coding change: c.5709_5717delinsT on transcript NM_000038.6 (MANE Select); coding-DNA positions 5709 to 5717, CCAACAATC replaced by T.
Protein change: p.Gln1904fs; shifts the reading frame from glutamine 1904.
Molecular consequence: frameshift variant. On other transcripts: non-coding transcript variant (2).
Genome position (GRCh38, 1-based): chr5:112,841,303-112,841,311, CCAACAATC replaced by T. VCF-style: chr5-112841303-CCAACAATC-T. GRCh37 (hg19) VCF-style: chr5-112177000-CCAACAATC-T.
Other names: c.5709_5717delinsT, p.Gln1904fs (NM_001127510.3, NM_001354895.2, NM_001407450.1); c.5655_5663delinsT, p.Gln1886fs (NM_001127511.3); c.5763_5771delinsT, p.Gln1922fs (NM_001354896.2, NM_001407447.1, NM_001407448.1 and 1 more transcripts); c.5739_5747delinsT, p.Gln1914fs (NM_001354897.2); c.5634_5642delinsT, p.Gln1879fs (NM_001354898.2); c.5625_5633delinsT, p.Gln1876fs (NM_001354899.2); c.5586_5594delinsT, p.Gln1863fs (NM_001354900.2); c.5532_5540delinsT, p.Gln1845fs (NM_001354901.2, NM_001407453.1); and 11 more; short protein forms Q1520fs, Q1621fs, Q1744fs, Q1775fs, Q1778fs, Q1803fs, Q1813fs, Q1821fs.
Identifiers: ClinVar variation 3772630 (VCV003772630.13).